The following is an entry in ClinVar:

NM_001330260.2(SCN8A):c.3256_3258del (p.Phe1086del)

Gene: SCN8A (sodium voltage-gated channel alpha subunit 8; plus strand). Cytogenetic location: 12q13.13.
Variant type: Deletion.
Coding change: c.3256_3258del on transcript NM_001330260.2 (MANE Select); coding-DNA positions 3256 to 3258, 3 bases deleted (TTC; older notation c.3256_3258delTTC).
Protein change: p.Phe1086del; deletes phenylalanine 1086.
Genome position (GRCh38, 1-based): chr12:51,769,219-51,769,221, TTC deleted; deleting any 3 consecutive bases within chr12:51,769,218-51,769,221 gives the same sequence; the c. name uses the placement nearest the transcript's 3' end. VCF-style (leftmost placement, unchanged base first): chr12-51769217-CCTT-C. GRCh37 (hg19) VCF-style: chr12-52163001-CCTT-C.
Other names: c.3256_3258del, p.Phe1086del (NM_001177984.3, NM_001369788.1, NM_014191.4); short protein forms F1086del.
Identifiers: ClinVar variation 3769725 (VCV003769725.1).

ClinVar aggregate classification (germline): Uncertain significance (1 of 4 stars; one submission).

Submission:

GeneDx
Classification: Uncertain significance. Last evaluated: 2024-09-13. Review status: criteria provided, single submitter. Criteria: GeneDx Variant Classification Process June 2021. Collection method: clinical testing. Allele origin: germline. Affected: yes.
Comment: Not observed at significant frequency in large population cohorts (gnomAD); In-frame deletion of 1 amino acid(s) in a non-repeat region; In silico analysis supports a deleterious effect on protein structure/function; This residue is predicted to be within the cytoplasmic loop between the second and third homologous domains; Has not been previously published as pathogenic or benign to our knowledge